The following is an entry in ClinVar:

NM_138576.4(BCL11B):c.1259C>G (p.Pro420Arg)

Gene: BCL11B (BCL11 transcription factor B; minus strand). Cytogenetic location: 14q32.2.
Variant type: single nucleotide variant.
Coding change: c.1259C>G on transcript NM_138576.4 (MANE Select); coding-DNA position 1259, C replaced by G.
Protein change: p.Pro420Arg; replaces proline 420 with arginine.
Molecular consequence: missense variant.
Genome position (GRCh38, 1-based): chr14:99,175,577, G>C on the plus strand (C>G on the coding strand, the complement: BCL11B is on the minus strand). VCF-style: chr14-99175577-G-C. GRCh37 (hg19) VCF-style: chr14-99641914-G-C.
Other names: c.1046C>G, p.Pro349Arg (NM_022898.3); c.1256C>G, p.Pro419Arg (NM_001282237.2); c.1043C>G, p.Pro348Arg (NM_001282238.2); short protein forms P348R, P349R, P420R, P419R.
Identifiers: ClinVar variation 2614376 (VCV002614376.5), dbSNP rs770601161, ClinGen allele CA266105864.

ClinVar aggregate classification (germline): Uncertain significance. Review status: criteria provided, multiple submitters, no conflicts (2 of 4 stars). 2 submissions from 2 submitters: Uncertain significance (2). Last evaluated 2023-07-25.

Conditions:
Inborn genetic diseases. Identifiers: MedGen C0950123, MeSH D030342.

gnomAD v4.1: 2 of 1,584,868 alleles (0.00013%); highest among the groups gnomAD compares: Non-Finnish European, 0.00017%; no homozygotes.

Submissions (2):

Ambry Genetics
Classification: Uncertain significance for Inborn genetic diseases. Last evaluated: 2023-07-25. Review status: criteria provided, single submitter. Criteria: Ambry Variant Classification Scheme 2023. Collection method: clinical testing. Allele origin: germline.

Labcorp Genetics (formerly Invitae), Labcorp
Classification: Uncertain significance. Last evaluated: 2023-04-29. Review status: criteria provided, single submitter. Criteria: Invitae Variant Classification Sherloc (09022015). Collection method: clinical testing. Allele origin: germline.
Comment: In summary, the available evidence is currently insufficient to determine the role of this variant in disease. Therefore, it has been classified as a Variant of Uncertain Significance. Advanced modeling of protein sequence and biophysical properties (such as structural, functional, and spatial information, amino acid conservation, physicochemical variation, residue mobility, and thermodynamic stability) performed at Invitae indicates that this missense variant is not expected to disrupt BCL11B protein function. This variant has not been reported in the literature in individuals affected with BCL11B-related conditions. This variant is not present in population databases (gnomAD no frequency). This sequence change replaces proline, which is neutral and non-polar, with arginine, which is basic and polar, at codon 420 of the BCL11B protein (p.Pro420Arg).